The following is an entry in ClinVar:

NM_003748.4(ALDH4A1):c.-4C>A

Genes: ALDH4A1 (aldehyde dehydrogenase 4 family member A1; minus strand), LOC129929550 (ATAC-STARR-seq lymphoblastoid silent region 346; plus strand). Cytogenetic location: 1p36.13.
Variant type: single nucleotide variant.
Coding change: c.-4C>A on transcript NM_003748.4 (MANE Select); 4 bases upstream of the start codon, C replaced by A.
Molecular consequence: 5 prime UTR variant.
Genome position (GRCh38, 1-based): chr1:18,902,527, G>T on the plus strand (C>A on the coding strand, the complement: ALDH4A1 is on the minus strand). VCF-style: chr1-18902527-G-T. GRCh37 (hg19) VCF-style: chr1-19229021-G-T.
Other names: c.-4C>A (NM_001319218.2, NM_170726.3, NM_170726.2).
Identifiers: ClinVar variation 294395 (VCV000294395.8), dbSNP rs9426797, ClinGen allele CA647559.

ClinVar aggregate classification (germline): Likely benign. Review status: criteria provided, multiple submitters, no conflicts (2 of 4 stars). 3 submissions from 3 submitters: Likely benign (2). 1 of the submissions does not count toward it. Last evaluated 2018-01-12.

Conditions:
ALDH4A1-related disorder. Also called: ALDH4A1-related condition.
Hyperprolinemia type 2 (HYRPRO2). Also called: 1-PYRROLINE-5-CARBOXYLATE DEHYDROGENASE DEFICIENCY; Deficiency of pyrroline-5-carboxylate reductase; Delta-1-pyrroline-5-carboxylate dehydrogenase deficiency. Identifiers: Orphanet 79101, MedGen C2931835, MONDO:0009401, OMIM 239510.

Allele frequency attached by ClinVar (database versions not stated): ExAC 0.02322; 1000 Genomes Project 0.02895; 1000 Genomes Project 30x 0.02951; TOPMed 0.03333; gnomAD 0.03426 and 0.03554.
gnomAD v4.1: 44,508 of 1,484,348 alleles (3%); highest among the groups gnomAD compares: Middle Eastern, 6.5%; 787 homozygotes.

Submissions (3):

Illumina Laboratory Services, Illumina
Classification: Likely benign for Hyperprolinemia type 2. Last evaluated: 2018-01-12. Review status: criteria provided, single submitter. Criteria: ICSL Variant Classification Criteria 13 December 2019. Collection method: clinical testing. Allele origin: germline.
Comment: This variant was observed in the ICSL laboratory as part of a predisposition screen in an ostensibly healthy population. It had not been previously curated by ICSL or reported in the Human Gene Mutation Database (HGMD: prior to June 1st, 2018), and was therefore a candidate for classification through an automated scoring system. Utilizing variant allele frequency, disease prevalence and penetrance estimates, and inheritance mode, an automated score was calculated to assess if this variant is too frequent to cause the disease. Based on the score and internal cut-off values, a variant classified as likely benign is not then subjected to further curation. The score for this variant resulted in a classification of likely benign for this disease.

Breakthrough Genomics
Classification: Likely benign. Review status: criteria provided, single submitter. Criteria: ACMG Guidelines, 2015. Collection method: not provided. Allele origin: germline. Inheritance: Autosomal recessive inheritance. Affected: yes.

PreventionGenetics, part of Exact Sciences
Classification: Benign for ALDH4A1-related condition. Last evaluated: 2019-12-16. Review status: no assertion criteria provided. Collection method: clinical testing. Allele origin: germline. Not counted in ClinVar's aggregate classification.
Comment: This variant is classified as benign based on ACMG/AMP sequence variant interpretation guidelines (Richards et al. 2015 PMID: 25741868, with internal and published modifications).